The following is an entry in ClinVar:

ClinVar aggregate classification (germline): Uncertain significance (1 of 4 stars; one submission).

Conditions:
Dystonic disorder. Also called: Dystonia. Identifiers: MedGen C0013421, MONDO:0003441, HP:0001332.

gnomAD v4.1: 4 of 1,406,926 alleles (0.00028%); highest among the groups gnomAD compares: Non-Finnish European, 0.00037%; no homozygotes.

Submission:

Labcorp Genetics (formerly Invitae), Labcorp
Classification: Uncertain significance for Dystonic disorder. Last evaluated: 2021-08-26. Review status: criteria provided, single submitter. Criteria: Invitae Variant Classification Sherloc (09022015). Collection method: clinical testing. Allele origin: germline.
Comment: This sequence change replaces glutamic acid with glutamine at codon 53 of the SPR protein (p.Glu53Gln). The glutamic acid residue is highly conserved and there is a small physicochemical difference between glutamic acid and glutamine. The frequency data for this variant in the population databases is considered unreliable, as metrics indicate insufficient coverage at this position in the ExAC database. This variant has not been reported in the literature in individuals affected with SPR-related conditions. Algorithms developed to predict the effect of missense changes on protein structure and function are either unavailable or do not agree on the potential impact of this missense change (SIFT: "Deleterious"; PolyPhen-2: "Benign"; Align-GVGD: "Class C0"). In summary, the available evidence is currently insufficient to determine the role of this variant in disease. Therefore, it has been classified as a Variant of Uncertain Significance.

NM_003124.5(SPR):c.157G>C (p.Glu53Gln)

Genes: SPR (sepiapterin reductase; plus strand), LOC129934069 (ATAC-STARR-seq lymphoblastoid silent region 11626; plus strand). Cytogenetic location: 2p13.2.
Variant type: single nucleotide variant.
Coding change: c.157G>C on transcript NM_003124.5 (MANE Select); coding-DNA position 157, G replaced by C.
Protein change: p.Glu53Gln; replaces glutamic acid 53 with glutamine.
Molecular consequence: missense variant.
Genome position (GRCh38, 1-based): chr2:72,887,589, G>C. VCF-style: chr2-72887589-G-C. GRCh37 (hg19) VCF-style: chr2-73114718-G-C.
Other names: short protein forms E53Q.
Identifiers: ClinVar variation 848713 (VCV000848713.7), dbSNP rs780706811, ClinGen allele CA347230627.
Genomic context (GRCh38, chr2:72,887,589, plus strand): 5'-CCCGGCTCCGTGCTTGTCCTTAGCGCCCGCAACGACGAGGCACTGCGCCAGCTGGAGGCC[G>C]AGCTGGGCGCCGAGCGGTCTGGCCTGCGCGTGGTGCGGGTGCCCGCCGACCTGGGCGCCG-3'
Protein context (NP_003115.1, residues 43-63): NDEALRQLEA[Glu53Gln]LGAERSGLRV